The following is an entry in ClinVar:

NM_005901.6(SMAD2):c.507_508del (p.Arg169fs)

Gene: SMAD2 (SMAD family member 2; minus strand). Cytogenetic location: 18q21.1.
Variant type: Microsatellite.
Coding change: c.507_508del on transcript NM_005901.6 (MANE Select); coding-DNA positions 507 to 508, 2 bases deleted (AG; older notation c.507_508delAG).
Protein change: p.Arg169fs; shifts the reading frame from arginine 169.
Molecular consequence: frameshift variant.
Genome position (GRCh38, 1-based): chr18:47,869,255-47,869,256, CT deleted on the plus strand (AG on the coding strand, the reverse complement: SMAD2 is on the minus strand); deleting any 2 consecutive bases within chr18:47,869,255-47,869,260 gives the same sequence; the c. name uses the placement nearest the transcript's 3' end. VCF-style (leftmost placement, unchanged base first): chr18-47869254-ACT-A. GRCh37 (hg19) VCF-style: chr18-45395625-ACT-A.
Other names: c.507_508del, p.Arg169fs (NM_001003652.4); c.417_418del, p.Arg139fs (NM_001135937.3); short protein forms R139fs, R169fs.
Identifiers: ClinVar variation 1709170 (VCV001709170.2), dbSNP rs2511351266, ClinGen allele CA2580612993.

ClinVar aggregate classification (germline): Likely pathogenic (1 of 4 stars; one submission).

Conditions:
Loeys-Dietz syndrome 1 (LDS1). Also called: TGFBR1-Related Loeys-Dietz Syndrome; AORTIC ANEURYSM, FAMILIAL THORACIC 5; FURLONG SYNDROME. Identifiers: Orphanet 60030, MedGen C4551955, MONDO:0012212, OMIM 609192.

Submission:

MGZ Medical Genetics Center
Classification: Likely pathogenic for Loeys-Dietz syndrome 1. Last evaluated: 2022-02-16. Review status: criteria provided, single submitter. Criteria: ACMG Guidelines, 2015. Collection method: clinical testing. Allele origin: germline. Affected: yes. Observed: 1 variant allele.
Comment: ACMG criteria applied: PVS1, PM2_SUP